The following is an entry in ClinVar:

NM_000384.3(APOB):c.7367C>A (p.Ala2456Asp)

Gene: APOB (apolipoprotein B; minus strand). Cytogenetic location: 2p24.1.
Variant type: single nucleotide variant.
Coding change: c.7367C>A on transcript NM_000384.3 (MANE Select); coding-DNA position 7367, C replaced by A.
Protein change: p.Ala2456Asp; replaces alanine 2456 with aspartic acid.
Molecular consequence: missense variant.
Genome position (GRCh38, 1-based): chr2:21,009,501, G>T on the plus strand (C>A on the coding strand, the complement: APOB is on the minus strand). VCF-style: chr2-21009501-G-T. GRCh37 (hg19) VCF-style: chr2-21232373-G-T.
Other names: p.Ala2456Asp; short protein forms A2456D.
Identifiers: ClinVar variation 255987 (VCV000255987.38), dbSNP rs12713675, ClinGen allele CA064348.
Genomic context (GRCh38, chr2:21,009,501, plus strand): 5'-GTGGCCTTGGTTTCCTCTAAAAACAGTTTTAATGCTTCAGCTTTTTGTGGTAGTTCCAGA[G>T]CCTGAATTTCACCATTGAGTCTCTGAGTCACCTCACGGATTTTGTCATTGGTTTCATCTA-3'
Protein context (NP_000375.3, residues 2446-2466): VTQRLNGEIQ[Ala2456Asp]LELPQKAEAL

ClinVar aggregate classification (germline): Conflicting classifications of pathogenicity. Review status: criteria provided, conflicting classifications (1 of 4 stars). 14 submissions from 14 submitters: Uncertain significance (2); Benign (8); Likely benign (2). 2 of the submissions do not count toward it. Last evaluated 2026-02-03.

Conditions:
Familial hypobetalipoproteinemia 1. Also called: Hypobetalipoproteinemia, normotriglyceridemic; Acanthocytosis with hypobetalipoproteinemia; APOB-Related Familial Hypobetalipoproteinemia. Identifiers: MedGen C4551990, MONDO:0014252, OMIM 615558.
Hypercholesterolemia, autosomal dominant, type B (FHCL2). Also called: Familial Hypercholesterolemia Type B; APOB-Related Familial Hypercholesterolemia, Autosomal Dominant; Hyperlipoproteinemia Type IIb; Familial hypercholesterolemia 2; APOLIPOPROTEIN B-100, FAMILIAL DEFECTIVE; APOLIPOPROTEIN B-100, FAMILIAL LIGAND-DEFECTIVE. Identifiers: MedGen C1704417, MONDO:0007751, OMIM 144010.
Hypercholesterolemia, familial, 1. Also called: LDL RECEPTOR DISORDER; Hyperlipoproteinemia Type IIa; HYPER-LOW-DENSITY-LIPOPROTEINEMIA; HYPERCHOLESTEROLEMIC XANTHOMATOSIS, FAMILIAL; Fredrickson type IIa hyperlipoproteinemia; Hyperlipoproteinemia type 2. Identifiers: Orphanet 391665, MedGen C0745103, MONDO:0007750, OMIM 143890.
Cardiovascular phenotype. Identifiers: MedGen CN230736.

Allele frequency attached by ClinVar (database versions not stated): gnomAD exomes 0.00144; ExAC 0.00483; ESP Exome Variant Server 0.01499; gnomAD 0.01524; TOPMed 0.01653; 1000 Genomes Project 0.02216; 1000 Genomes Project 30x 0.02389.
gnomAD v4.1: 4,490 of 1,614,026 alleles (0.28%); highest among the groups gnomAD compares: African/African-American, 5.3%; 110 homozygotes.

Submissions (14):

Labcorp Genetics (formerly Invitae), Labcorp
Classification: Benign for Familial hypobetalipoproteinemia 1; Hypercholesterolemia, autosomal dominant, type B. Last evaluated: 2026-02-03. Review status: criteria provided, single submitter. Criteria: Invitae Variant Classification Sherloc (09022015). Collection method: clinical testing. Allele origin: germline.

Molecular Diagnostic Laboratory for Inherited Cardiovascular Disease, Montreal Heart Institute
Classification: Likely benign. Last evaluated: 2025-04-09. Review status: criteria provided, single submitter. Criteria: ACMG Guidelines, 2015. Collection method: clinical testing. Allele origin: germline. Affected: no.

ARUP Laboratories, Molecular Genetics and Genomics, ARUP Laboratories
Classification: Benign. Last evaluated: 2025-03-11. Review status: criteria provided, single submitter. Criteria: ARUP Molecular Germline Variant Investigation Process 2024. Collection method: clinical testing. Allele origin: germline.

Quest Diagnostics Nichols Institute San Juan Capistrano
Classification: Benign. Last evaluated: 2022-10-17. Review status: criteria provided, single submitter. Criteria: Quest Diagnostics criteria. Collection method: clinical testing. Allele origin: unknown.

Mayo Clinic Laboratories, Mayo Clinic
Classification: Benign. Last evaluated: 2019-08-30. Review status: criteria provided, single submitter. Criteria: ACMG Guidelines, 2015. Collection method: clinical testing. Allele origin: germline. Observed: 8 variant alleles.

Illumina Laboratory Services, Illumina
Classification: Likely benign for Hypercholesterolemia, autosomal dominant, type B. Last evaluated: 2018-04-16. Review status: criteria provided, single submitter. Criteria: ICSL Variant Classification Criteria 13 December 2019. Collection method: clinical testing. Allele origin: germline.
Comment: This variant was observed as part of a predisposition screen in an ostensibly healthy population. A literature search was performed for the gene, cDNA change, and amino acid change (where applicable). No publications were found based on this search. Allele frequency data from public databases allowed determination this variant is unlikely to cause disease. Therefore, this variant is classified as likely benign.

GeneDx
Classification: Benign. Last evaluated: 2018-01-04. Review status: criteria provided, single submitter. Criteria: GeneDx Variant Classification (06012015). Collection method: clinical testing. Allele origin: germline. Affected: yes.
Comment: This variant is considered likely benign or benign based on one or more of the following criteria: it is a conservative change, it occurs at a poorly conserved position in the protein, it is predicted to be benign by multiple in silico algorithms, and/or has population frequency not consistent with disease.

Robarts Research Institute, Western University
Classification: Uncertain significance for Hypercholesterolemia, familial, 1. Last evaluated: 2018-01-02. Review status: criteria provided, single submitter. Criteria: ACMG Guidelines, 2015. Collection method: clinical testing. Allele origin: germline. Inheritance: Autosomal dominant inheritance. Affected: yes.

Center for Pediatric Genomic Medicine, Children's Mercy Hospital and Clinics
Classification: Benign. Last evaluated: 2017-01-23. Review status: criteria provided, single submitter. Criteria: ACMG Guidelines, 2015. Collection method: clinical testing. Allele origin: germline.

Ambry Genetics
Classification: Benign for Cardiovascular phenotype. Last evaluated: 2016-03-23. Review status: criteria provided, single submitter. Criteria: Ambry Variant Classification Scheme 2023. Collection method: clinical testing. Allele origin: germline.

Laboratory of Genetics and Molecular Cardiology, University of São Paulo
Classification: Uncertain significance for Familial hypercholesterolemia. Last evaluated: 2016-03-01. Review status: criteria provided, single submitter. Criteria: ACMG Guidelines, 2015. Collection method: research. Allele origin: germline. Study: HipercolBrasil.

PreventionGenetics, part of Exact Sciences
Classification: Benign. Review status: criteria provided, single submitter. Criteria: ACMG Guidelines, 2015. Collection method: clinical testing. Allele origin: germline.

Clinical Genetics, Academic Medical Center
Classification: Benign. Review status: no assertion criteria provided. Collection method: clinical testing. Allele origin: germline. Affected: yes. Study: VKGL Data-share Consensus. Not counted in ClinVar's aggregate classification.

Diagnostic Laboratory, Department of Genetics, University Medical Center Groningen
Classification: Benign. Review status: no assertion criteria provided. Collection method: clinical testing. Allele origin: germline. Affected: yes. Study: VKGL Data-share Consensus. Not counted in ClinVar's aggregate classification.

Literature cited by the submitters: PubMed 20657596 (cited by Quest Diagnostics Nichols Institute San Juan Capistrano).